The following is an entry in ClinVar:

NM_005045.4(RELN):c.7290G>A (p.Leu2430=)

Gene: RELN (reelin; minus strand). Cytogenetic location: 7q22.1.
Variant type: single nucleotide variant.
Coding change: c.7290G>A on transcript NM_005045.4 (MANE Select); coding-DNA position 7290, G replaced by A.
Protein change: p.Leu2430=; no amino-acid change (leucine 2430 retained).
Molecular consequence: synonymous variant.
Genome position (GRCh38, 1-based): chr7:103,535,375, C>T on the plus strand (G>A on the coding strand, the complement: RELN is on the minus strand). VCF-style: chr7-103535375-C-T. GRCh37 (hg19) VCF-style: chr7-103175822-C-T.
Other names: c.7290G>A, p.Leu2430= (NM_173054.3).
Identifiers: ClinVar variation 2950209 (VCV002950209.13), dbSNP rs146835733, ClinGen allele CA4420767.

ClinVar aggregate classification (germline): Likely benign. Review status: criteria provided, multiple submitters, no conflicts (2 of 4 stars). 2 submissions from 2 submitters: Likely benign (2). Last evaluated 2025-05-01.

Conditions:
Norman-Roberts syndrome (LIS2). Also called: Lissencephaly 2 (Norman-Roberts type). Identifiers: Orphanet 89844, MedGen C0796089, MONDO:0009760, OMIM 257320.
Familial temporal lobe epilepsy 7. Identifiers: Orphanet 101046, MedGen C4225327, MONDO:0014639, OMIM 616436.

Allele frequency attached by ClinVar (database versions not stated): ExAC 0.00002; gnomAD 0.00002; TOPMed 0.00003; ESP Exome Variant Server 0.00008.
gnomAD v4.1: 153 of 1,613,902 alleles (0.0095%); highest among the groups gnomAD compares: Non-Finnish European, 0.013%; no homozygotes.

Submissions (2):

CeGaT Center for Human Genetics Tuebingen
Classification: Likely benign. Last evaluated: 2025-05-01. Review status: criteria provided, single submitter. Criteria: CeGaT Center For Human Genetics Tuebingen Variant Classification Criteria Version 2. Collection method: clinical testing. Allele origin: germline. Affected: yes. Observed: 1 variant allele.
Comment: RELN: BP4, BP7

Labcorp Genetics (formerly Invitae), Labcorp
Classification: Likely benign for Familial temporal lobe epilepsy 7; Norman-Roberts syndrome. Last evaluated: 2025-03-03. Review status: criteria provided, single submitter. Criteria: Invitae Variant Classification Sherloc (09022015). Collection method: clinical testing. Allele origin: germline.